The following is an entry in ClinVar:

NM_057088.3(KRT3):c.1017C>T (p.Tyr339=)

Gene: KRT3 (keratin 3; minus strand). Cytogenetic location: 12q13.13.
Variant type: single nucleotide variant.
Coding change: c.1017C>T on transcript NM_057088.3 (MANE Select); coding-DNA position 1017, C replaced by T.
Protein change: p.Tyr339=; no amino-acid change (tyrosine 339 retained).
Molecular consequence: synonymous variant.
Genome position (GRCh38, 1-based): chr12:52,792,717, G>A on the plus strand (C>T on the coding strand, the complement: KRT3 is on the minus strand). VCF-style: chr12-52792717-G-A. GRCh37 (hg19) VCF-style: chr12-53186501-G-A.
Identifiers: ClinVar variation 3039603 (VCV003039603.2), dbSNP rs200246450, ClinGen allele CA6588063.

ClinVar aggregate classification (germline): Likely benign (0 of 4 stars; one submission).

Conditions:
KRT3-related disorder. Also called: KRT3-related condition.

Allele frequency attached by ClinVar (database versions not stated): gnomAD exomes 0.00002; TOPMed 0.00007; ExAC 0.00008; gnomAD 0.00009; 1000 Genomes Project 30x 0.00016; ESP Exome Variant Server 0.00016; 1000 Genomes Project 0.00020.
gnomAD v4.1: 50 of 1,606,996 alleles (0.0031%); highest among the groups gnomAD compares: Middle Eastern, 0.033%; no homozygotes.

Submission:

PreventionGenetics, part of Exact Sciences
Classification: Likely benign for KRT3-related condition. Last evaluated: 2019-05-28. Review status: no assertion criteria provided. Collection method: clinical testing. Allele origin: germline.
Comment: This variant is classified as likely benign based on ACMG/AMP sequence variant interpretation guidelines (Richards et al. 2015 PMID: 25741868, with internal and published modifications).